The following is an entry in ClinVar:

NM_001250.6(CD40):c.344C>T (p.Ala115Val)

Gene: CD40 (CD40 molecule; plus strand). Cytogenetic location: 20q13.12.
Variant type: single nucleotide variant.
Coding change: c.344C>T on transcript NM_001250.6 (MANE Select); coding-DNA position 344, C replaced by T.
Protein change: p.Ala115Val; replaces alanine 115 with valine.
Molecular consequence: missense variant. On other transcripts: non-coding transcript variant (2).
Genome position (GRCh38, 1-based): chr20:46,122,697, C>T. VCF-style: chr20-46122697-C-T. GRCh37 (hg19) VCF-style: chr20-44751336-C-T.
Other names: c.344C>T, p.Ala115Val (NM_001302753.2, NM_001322421.2, NM_001322422.2 and 2 more transcripts); short protein forms A115V.
Identifiers: ClinVar variation 1362871 (VCV001362871.3), dbSNP rs537489349, ClinGen allele CA9888445.

ClinVar aggregate classification (germline): Uncertain significance (1 of 4 stars; one submission).

Allele frequency attached by ClinVar (database versions not stated): TOPMed 0.00019.
gnomAD v4.1: 31 of 1,614,018 alleles (0.0019%); highest among the groups gnomAD compares: Admixed American, 0.033%; no homozygotes.

Submission:

Labcorp Genetics (formerly Invitae), Labcorp
Classification: Uncertain significance. Last evaluated: 2022-06-25. Review status: criteria provided, single submitter. Criteria: Invitae Variant Classification Sherloc (09022015). Collection method: clinical testing. Allele origin: germline.
Comment: This sequence change replaces alanine, which is neutral and non-polar, with valine, which is neutral and non-polar, at codon 115 of the CD40 protein (p.Ala115Val). This variant is present in population databases (rs537489349, gnomAD 0.009%). This variant has not been reported in the literature in individuals affected with CD40-related conditions. Algorithms developed to predict the effect of missense changes on protein structure and function output the following: SIFT: "Tolerated"; PolyPhen-2: "Benign"; Align-GVGD: "Class C0". The valine amino acid residue is found in multiple mammalian species, which suggests that this missense change does not adversely affect protein function. Algorithms developed to predict the effect of sequence changes on RNA splicing suggest that this variant may create or strengthen a splice site. In summary, the available evidence is currently insufficient to determine the role of this variant in disease. Therefore, it has been classified as a Variant of Uncertain Significance.